The following is an entry in ClinVar:

ClinVar aggregate classification (germline): Conflicting classifications of pathogenicity. Review status: criteria provided, conflicting classifications (1 of 4 stars). 2 submissions from 2 submitters: Likely pathogenic (1); Uncertain significance (1). Last evaluated 2024-11-24.

Conditions:
Paragangliomas with sensorineural hearing loss. Identifiers: MedGen C1868633.
Pheochromocytoma. Also called: MAX-Related Hereditary Paraganglioma-Pheochromocytoma Syndrome. Identifiers: Orphanet 29072, MedGen C0031511, MONDO:0008233, OMIM 171300, HP:0002666.
Cowden syndrome 3 (CWS3). Identifiers: Orphanet 201, MedGen CN166604, MONDO:0014045.
Carney-Stratakis syndrome. Also called: PARAGANGLIOMA AND GASTROINTESTINAL STROMAL TUMOR. Identifiers: Orphanet 97286, MedGen C1847319, MONDO:0011740, OMIM 606864.
Hereditary pheochromocytoma and paraganglioma. Also called: Hereditary Paraganglioma-Pheochromocytoma Syndromes; Hereditary paragangliomas and pheochromocytomas; Hereditary pheochromocytoma-paraganglioma. Identifiers: Orphanet 29072, MedGen C4274332, MONDO:0017366.

Submissions (2):

Labcorp Genetics (formerly Invitae), Labcorp
Classification: Likely pathogenic for Carney-Stratakis syndrome; Paragangliomas with sensorineural hearing loss; Pheochromocytoma; Cowden syndrome 3. Last evaluated: 2024-11-24. Review status: criteria provided, single submitter. Criteria: Invitae Variant Classification Sherloc (09022015). Collection method: clinical testing. Allele origin: germline.
Comment: This sequence change replaces glycine, which is neutral and non-polar, with valine, which is neutral and non-polar, at codon 138 of the SDHD protein (p.Gly138Val). This variant is not present in population databases (gnomAD no frequency). This variant has not been reported in the literature in individuals affected with SDHD-related conditions. ClinVar contains an entry for this variant (Variation ID: 465238). Invitae Evidence Modeling of protein sequence and biophysical properties (such as structural, functional, and spatial information, amino acid conservation, physicochemical variation, residue mobility, and thermodynamic stability) indicates that this missense variant is expected to disrupt SDHD protein function with a positive predictive value of 95%. This variant disrupts the p.Gly138 amino acid residue in SDHD. Other variant(s) that disrupt this residue have been determined to be pathogenic (PMID: 29875428, 31492822). This suggests that this residue is clinically significant, and that variants that disrupt this residue are likely to be disease-causing. In summary, the currently available evidence indicates that the variant is pathogenic, but additional data are needed to prove that conclusively. Therefore, this variant has been classified as Likely Pathogenic.

All of Us Research Program, National Institutes of Health
Classification: Uncertain significance for Hereditary pheochromocytoma and paraganglioma. Last evaluated: 2023-06-08. Review status: criteria provided, single submitter. Criteria: ACMG Guidelines, 2015. Collection method: clinical testing. Allele origin: germline. Inheritance: Autosomal dominant inheritance. Observed: 1 variant allele, 1 heterozygote.
Comment: This missense variant replaces glycine with valine at codon 138 of the SDHD protein. Computational prediction suggests that this variant may have deleterious impact on protein structure and function (internally defined REVEL score threshold >= 0.7, PMID: 27666373). To our knowledge, functional studies have not been reported for this variant. This variant has not been reported in individuals affected with SDHD-related disorders in the literature. Other variant at this codon are classified as Pathogenic in ClinVar (Variation IDs: 187700, 1479490). This variant has not been identified in the general population by the Genome Aggregation Database (gnomAD). The available evidence is insufficient to determine the role of this variant in disease conclusively. Therefore, this variant is classified as a Variant of Uncertain Significance.

This study involves interpretation of variants in research participants for the purpose of population health screening. Participant phenotype was not available at the time of variant classification. Additional details can be found in publication PMID: 35346344, PMCID: PMC8962531

Literature cited by the submitters: PubMed 29875428 (cited by Labcorp Genetics (formerly Invitae), Labcorp); PubMed 31492822 (cited by Labcorp Genetics (formerly Invitae), Labcorp).

NM_003002.4(SDHD):c.413G>T (p.Gly138Val)

Gene: SDHD (succinate dehydrogenase complex subunit D; plus strand). Cytogenetic location: 11q23.1.
Variant type: single nucleotide variant.
Coding change: c.413G>T on transcript NM_003002.4 (MANE Select); coding-DNA position 413, G replaced by T.
Protein change: p.Gly138Val; replaces glycine 138 with valine.
Molecular consequence: missense variant. On other transcripts: 3 prime UTR variant (2), non-coding transcript variant (1).
Genome position (GRCh38, 1-based): chr11:112,094,903, G>T. VCF-style: chr11-112094903-G-T. GRCh37 (hg19) VCF-style: chr11-111965627-G-T.
Other names: c.*10G>T (NM_001276503.2); c.296G>T, p.Gly99Val (NM_001276504.2); c.*111G>T (NM_001276506.2); short protein forms G138V, G99V.
Identifiers: ClinVar variation 465238 (VCV000465238.7), dbSNP rs1401695686, ClinGen allele CA382619290.